The following is an entry in ClinVar:

ClinVar aggregate classification (germline): Uncertain significance. Review status: criteria provided, multiple submitters, no conflicts (2 of 4 stars). 3 submissions from 3 submitters: Uncertain significance (3). Last evaluated 2025-09-26.

Conditions:
Inborn genetic diseases. Identifiers: MedGen C0950123, MeSH D030342.
Arginase deficiency. Also called: ARGININEMIA; ARG1 DEFICIENCY; Arginase 1 Deficiency. Identifiers: Orphanet 90, MedGen C0268548, MONDO:0008814, OMIM 207800.

Allele frequency attached by ClinVar (database versions not stated): ExAC 0.00002; gnomAD 0.00001; TOPMed 0.00002; gnomAD exomes 0.00004.
gnomAD v4.1: 13 of 1,614,036 alleles (0.00081%); highest among the groups gnomAD compares: Admixed American, 0.022%; no homozygotes.

Submissions (3):

GeneDx
Classification: Uncertain significance. Last evaluated: 2025-09-26. Review status: criteria provided, single submitter. Criteria: GeneDx Variant Classification Process June 2021. Collection method: clinical testing. Allele origin: germline.
Comment: In silico analysis supports that this missense variant has a deleterious effect on protein structure/function; Has not been previously published as pathogenic or benign to our knowledge

Labcorp Genetics (formerly Invitae), Labcorp
Classification: Uncertain significance for Arginase deficiency. Last evaluated: 2024-01-15. Review status: criteria provided, single submitter. Criteria: Invitae Variant Classification Sherloc (09022015). Collection method: clinical testing. Allele origin: germline.
Comment: This sequence change replaces lysine, which is basic and polar, with threonine, which is neutral and polar, at codon 89 of the ARG1 protein (p.Lys89Thr). This variant is present in population databases (rs759832639, gnomAD 0.03%). This variant has not been reported in the literature in individuals affected with ARG1-related conditions. ClinVar contains an entry for this variant (Variation ID: 1035150). Advanced modeling of protein sequence and biophysical properties (such as structural, functional, and spatial information, amino acid conservation, physicochemical variation, residue mobility, and thermodynamic stability) performed at Invitae indicates that this missense variant is not expected to disrupt ARG1 protein function with a negative predictive value of 80%. In summary, the available evidence is currently insufficient to determine the role of this variant in disease. Therefore, it has been classified as a Variant of Uncertain Significance.

Ambry Genetics
Classification: Uncertain significance for Inborn genetic diseases. Last evaluated: 2021-10-22. Review status: criteria provided, single submitter. Criteria: Ambry Variant Classification Scheme 2023. Collection method: clinical testing. Allele origin: germline.

NM_000045.4(ARG1):c.266A>C (p.Lys89Thr)

Genes: ARG1 (arginase 1; plus strand), MED23 (mediator complex subunit 23; minus strand). Cytogenetic location: 6q23.2.
Variant type: single nucleotide variant.
Coding change: c.266A>C on transcript NM_000045.4 (MANE Select); coding-DNA position 266, A replaced by C.
Protein change: p.Lys89Thr; replaces lysine 89 with threonine.
Molecular consequence: missense variant. On other transcripts: non-coding transcript variant (1), intron variant (2).
Genome position (GRCh38, 1-based): chr6:131,579,246, A>C. VCF-style: chr6-131579246-A-C. GRCh37 (hg19) VCF-style: chr6-131900386-A-C.
Other names: c.290A>C, p.Lys97Thr (NM_001244438.2); c.266A>C, p.Lys89Thr (NM_001369020.1); c.4078-4951T>G (NM_001270521.2); c.4096-4951T>G (NM_015979.4); short protein forms K97T, K89T.
Identifiers: ClinVar variation 1035150 (VCV001035150.9), dbSNP rs759832639, ClinGen allele CA3999205.
Genomic context (GRCh38, chr6:131,579,246, plus strand): 5'-ATCCAAGGTCTGTGGGAAAAGCAAGCGAGCAGCTGGCTGGCAAGGTGGCAGAAGTCAAGA[A>C]GAACGGAAGAATCAGCCTGGTGCTGGGCGGAGACCACAGGTCTTGTTGAATAACTGTGTC-3'
Protein context (NP_000036.2, residues 79-99): QLAGKVAEVK[Lys89Thr]NGRISLVLGG